The following is an entry in ClinVar:

ClinVar aggregate classification (somatic clinical impact): Tier II - Potential (1 of 4 stars; one submission).

Conditions:
Neuroblastoma (NB). Identifiers: Orphanet 635, MedGen C0027819, MeSH D009447, MONDO:0005072, HP:0003006.

Submission:

Institute for Genomic Medicine (IGM) Clinical Laboratory, Nationwide Children's Hospital
Classification: Tier II - Potential for Neuroblastoma. Assertion type: diagnostic. Clinical significance: supports diagnosis. Last evaluated: 2024-03-08. Review status: criteria provided, single submitter. Criteria: AMP/ASCO/CAP Guidelines, 2017. Collection method: clinical testing. Allele origin: somatic. Affected: yes.
Comment: Variant has Tier II (potential) clinical significance as a diagnostic inclusion criterion in neuroblastoma, based on the following evidence: 1) Assists in diagnosis alone or along with other biomarkers based on small studies or few case reports (Evidence Level D; PMIDs: 33056981, 34971484, 35488346).

Literature cited by the submitters: PubMed 33056981; PubMed 34971484; PubMed 35488346.

NM_023110.3(FGFR1):c.905C>T (p.Pro302Leu)

Gene: FGFR1 (fibroblast growth factor receptor 1; minus strand). Cytogenetic location: 8p11.23.
Variant type: single nucleotide variant.
Coding change: c.905C>T on transcript NM_023110.3 (MANE Select); coding-DNA position 905, C replaced by T.
Protein change: p.Pro302Leu; replaces proline 302 with leucine.
Molecular consequence: missense variant.
Genome position (GRCh38, 1-based): chr8:38,424,540, G>A on the plus strand (C>T on the coding strand, the complement: FGFR1 is on the minus strand). VCF-style: chr8-38424540-G-A. GRCh37 (hg19) VCF-style: chr8-38282058-G-A.
Other names: c.905C>T, p.Pro302Leu (NM_001174063.2); c.881C>T, p.Pro294Leu (NM_001174064.2); c.899C>T, p.Pro300Leu (NM_001174065.2, NM_001354367.2, NM_001354369.2 and 2 more transcripts); c.638C>T, p.Pro213Leu (NM_001174066.2, NM_023105.3); c.998C>T, p.Pro333Leu (NM_001174067.2); c.632C>T, p.Pro211Leu (NM_001354368.2, NM_001354370.2, NM_023106.3); short protein forms P211L, P213L, P294L, P300L, P302L, P333L.
Identifiers: ClinVar variation 4530552 (VCV004530552.1).